The following is an entry in ClinVar:

ClinVar aggregate classification (germline): Conflicting classifications of pathogenicity. Review status: criteria provided, conflicting classifications (1 of 4 stars). 5 submissions from 5 submitters: Uncertain significance (1); Benign (1); Likely benign (1). 2 of the submissions do not count toward it. Last evaluated 2026-01-27.

Conditions:
COL7A1-related disorder. Also called: COL7A1-related condition; COL7A1- related disorders.
Recessive dystrophic epidermolysis bullosa (RDEB). Also called: Epidermolysis Bullosa Distrophica Autosomal Recessive (RDEB); EPIDERMOLYSIS BULLOSA DYSTROPHICA, GENERALIZED SEVERE, AUTOSOMAL RECESSIVE; DYSTROPHIC EPIDERMOLYSIS BULLOSA, AUTOSOMAL RECESSIVE; EPIDERMOLYSIS BULLOSA DYSTROPHICA, HALLOPEAU-SIEMENS TYPE; severe generalized recessive dystrophic epidermolysis bullosa; epidermolysis bullosa dystrophica, autosomal recessive. Identifiers: Orphanet 79408, Orphanet 79409, MedGen C0079474, MONDO:0009179, OMIM 226600.
Generalized dominant dystrophic epidermolysis bullosa (DDEB). Also called: Dominant DEB (DDEB); DDEB, generalized; DDEB-gen; DYSTROPHIC EPIDERMOLYSIS BULLOSA, AUTOSOMAL DOMINANT; Epidermolysis bullosa dystrophica, autosomal dominant. Identifiers: Orphanet 231568, MedGen C0432322, MONDO:0007549, OMIM 131750.
Epidermolysis bullosa dystrophica. Also called: Dystrophic epidermolysis bullosa, Hallopeau-Siemens type (formerly); Dystrophic epidermolysis bullosa. Identifiers: Orphanet 303, MedGen C0079294, MONDO:0006543.

Allele frequency attached by ClinVar (database versions not stated): 1000 Genomes Project 0.00120; gnomAD 0.00010 and 0.00022; TOPMed 0.00012; 1000 Genomes Project 30x 0.00094.
gnomAD v4.1: 646 of 1,613,790 alleles (0.04%); highest among the groups gnomAD compares: East Asian, 1.4%; 6 homozygotes.

Submissions (5):

Labcorp Genetics (formerly Invitae), Labcorp
Classification: Likely benign. Last evaluated: 2026-01-27. Review status: criteria provided, single submitter. Criteria: Invitae Variant Classification Sherloc (09022015). Collection method: clinical testing. Allele origin: germline.

Illumina Laboratory Services, Illumina
Classification: Benign for Dystrophic epidermolysis bullosa. Last evaluated: 2017-04-27. Review status: criteria provided, single submitter. Criteria: ICSL Variant Classification Criteria 13 December 2019. Collection method: clinical testing. Allele origin: germline.
Comment: This variant was observed as part of a predisposition screen in an ostensibly healthy population. A literature search was performed for the gene, cDNA change, and amino acid change (where applicable). No publications were found based on this search. Allele frequency data from public databases was too high to be consistent with this variant causing disease. Therefore, this variant is classified as benign.

Soonchunhyang University Bucheon Hospital, Soonchunhyang University Medical Center
Classification: Uncertain significance for Generalized dominant dystrophic epidermolysis bullosa; Recessive dystrophic epidermolysis bullosa. Last evaluated: 2016-03-18. Review status: criteria provided, single submitter. Criteria: ACMG Guidelines, 2015. Collection method: reference population. Allele origin: germline. Observed: 5 variant alleles.

PreventionGenetics, part of Exact Sciences
Classification: Likely benign for COL7A1-related condition. Last evaluated: 2023-04-05. Review status: no assertion criteria provided. Collection method: clinical testing. Allele origin: germline. Not counted in ClinVar's aggregate classification.
Comment: This variant is classified as likely benign based on ACMG/AMP sequence variant interpretation guidelines (Richards et al. 2015 PMID: 25741868, with internal and published modifications).

Natera, Inc.
Classification: Benign for Dystrophic epidermolysis bullosa. Last evaluated: 2020-02-12. Review status: no assertion criteria provided. Collection method: clinical testing. Allele origin: germline. Not counted in ClinVar's aggregate classification.

Literature cited by the submitters: PubMed 10504458 (cited by Soonchunhyang University Bucheon Hospital, Soonchunhyang University Medical Center).

NM_000094.4(COL7A1):c.4118C>T (p.Ser1373Leu)

Gene: COL7A1 (collagen type VII alpha 1 chain; minus strand). Cytogenetic location: 3p21.31.
Variant type: single nucleotide variant.
Coding change: c.4118C>T on transcript NM_000094.4 (MANE Select); coding-DNA position 4118, C replaced by T.
Protein change: p.Ser1373Leu; replaces serine 1373 with leucine.
Molecular consequence: missense variant.
Genome position (GRCh38, 1-based): chr3:48,584,486, G>A on the plus strand (C>T on the coding strand, the complement: COL7A1 is on the minus strand). VCF-style: chr3-48584486-G-A. GRCh37 (hg19) VCF-style: chr3-48621919-G-A.
Other names: short protein forms S1373L.
Identifiers: ClinVar variation 225323 (VCV000225323.21), dbSNP rs140403507, ClinGen allele CA2380226.
Genomic context (GRCh38, chr3:48,584,486, plus strand): 5'-CCCCCCTCGTGTTGGTCCCCCCACTACACATCACTTGCCTCCACATACCCTGCACTTACC[G>A]ATGGTCCAGGGTCCCCTTTCCGCCCAGGAAGCCCAGGTCCTTCACCTCCGATGACTTGTC-3'
Protein context (NP_000085.1, residues 1363-1383): LPGRKGDPGP[Ser1373Leu]GPPGPRGPLG